The following is an entry in ClinVar:

ClinVar aggregate classification (germline): Uncertain significance. Review status: criteria provided, multiple submitters, no conflicts (2 of 4 stars). 2 submissions from 2 submitters: Uncertain significance (2). Last evaluated 2024-04-03.

Conditions:
Amelogenesis imperfecta type 1G (AI1G). Also called: Amelogenesis imperfecta-gingival hyperplasia syndrome; AMELOGENESIS IMPERFECTA, TYPE IG; AMELOGENESIS IMPERFECTA, HYPOPLASTIC, AND NEPHROCALCINOSIS; Amelogenesis imperfecta hypoplastic type, IG; Amelogenesis imperfecta and nephrocalcinosis; Amelogenesis imperfecta nephrocalcinosis. Identifiers: Orphanet 1031, Orphanet 171836, MedGen C2931783, MONDO:0008771, OMIM 204690. Disease mechanism: loss of function.

Allele frequency attached by ClinVar (database versions not stated): gnomAD 0.00001; gnomAD exomes 0.00001.
gnomAD v4.1: 9 of 1,614,000 alleles (0.00056%); highest among the groups gnomAD compares: Non-Finnish European, 0.00076%; no homozygotes.

Submissions (2):

Fulgent Genetics
Classification: Uncertain significance for Amelogenesis imperfecta type 1G. Last evaluated: 2024-04-03. Review status: criteria provided, single submitter. Criteria: ACMG Guidelines, 2015. Collection method: clinical testing. Allele origin: germline.

Labcorp Genetics (formerly Invitae), Labcorp
Classification: Uncertain significance. Last evaluated: 2021-12-14. Review status: criteria provided, single submitter. Criteria: Invitae Variant Classification Sherloc (09022015). Collection method: clinical testing. Allele origin: germline.
Comment: In summary, the available evidence is currently insufficient to determine the role of this variant in disease. Therefore, it has been classified as a Variant of Uncertain Significance. Algorithms developed to predict the effect of missense changes on protein structure and function are either unavailable or do not agree on the potential impact of this missense change (SIFT: "Tolerated"; PolyPhen-2: "Possibly Damaging"; Align-GVGD: "Class C0"). This variant has not been reported in the literature in individuals affected with FAM20A-related conditions. This variant is present in population databases (no rsID available, gnomAD 0.0009%). This sequence change replaces proline, which is neutral and non-polar, with serine, which is neutral and polar, at codon 248 of the FAM20A protein (p.Pro248Ser).

NM_017565.4(FAM20A):c.742C>T (p.Pro248Ser)

Genes: FAM20A (FAM20A golgi associated secretory pathway pseudokinase; minus strand), PRKAR1A (protein kinase cAMP-dependent type I regulatory subunit alpha; plus strand). Cytogenetic location: 17q24.2.
Variant type: single nucleotide variant.
Coding change: c.742C>T on transcript NM_017565.4 (MANE Select); coding-DNA position 742, C replaced by T.
Protein change: p.Pro248Ser; replaces proline 248 with serine.
Molecular consequence: missense variant. On other transcripts: non-coding transcript variant (1), intron variant (1).
Genome position (GRCh38, 1-based): chr17:68,543,699, G>A on the plus strand (C>T on the coding strand, the complement: FAM20A is on the minus strand). VCF-style: chr17-68543699-G-A. GRCh37 (hg19) VCF-style: chr17-66539840-G-A.
Other names: c.974-7385G>A (NM_001276290.1); c.328C>T, p.Pro110Ser (NM_001243746.2); short protein forms P248S, P110S.
Identifiers: ClinVar variation 2042512 (VCV002042512.5), dbSNP rs1214409896, ClinGen allele CA400759487.